The following is an entry in ClinVar:

ClinVar aggregate classification (germline): Uncertain significance (1 of 4 stars; one submission).

Conditions:
Exostoses, multiple, type 2 (EXT2). Also called: EXOSTOSES, MULTIPLE, TYPE II; Hereditary Multiple Osteochondromatosis, Type II. Identifiers: Orphanet 321, MedGen C1851413, MONDO:0007586, OMIM 133701.

Allele frequency attached by ClinVar (database versions not stated): gnomAD exomes below 0.00001; ExAC 0.00001; gnomAD 0.00001; ESP Exome Variant Server 0.00008.
gnomAD v4.1: 5 of 1,614,040 alleles (0.00031%); highest among the groups gnomAD compares: African/African-American, 0.0013%; no homozygotes.

Submission:

Labcorp Genetics (formerly Invitae), Labcorp
Classification: Uncertain significance for Exostoses, multiple, type 2. Last evaluated: 2024-01-11. Review status: criteria provided, single submitter. Criteria: Invitae Variant Classification Sherloc (09022015). Collection method: clinical testing. Allele origin: germline.
Comment: This sequence change replaces lysine, which is basic and polar, with arginine, which is basic and polar, at codon 653 of the EXT2 protein (p.Lys653Arg). This variant is present in population databases (rs372942692, gnomAD 0.004%). This variant has not been reported in the literature in individuals affected with EXT2-related conditions. Advanced modeling of protein sequence and biophysical properties (such as structural, functional, and spatial information, amino acid conservation, physicochemical variation, residue mobility, and thermodynamic stability) performed at Invitae indicates that this missense variant is not expected to disrupt EXT2 protein function with a negative predictive value of 80%. In summary, the available evidence is currently insufficient to determine the role of this variant in disease. Therefore, it has been classified as a Variant of Uncertain Significance.

NM_207122.2(EXT2):c.1958A>G (p.Lys653Arg)

Gene: EXT2 (exostosin glycosyltransferase 2; plus strand). Cytogenetic location: 11p11.2.
Variant type: single nucleotide variant.
Coding change: c.1958A>G on transcript NM_207122.2 (MANE Select); coding-DNA position 1958, A replaced by G.
Protein change: p.Lys653Arg; replaces lysine 653 with arginine.
Molecular consequence: missense variant.
Genome position (GRCh38, 1-based): chr11:44,236,315, A>G. VCF-style: chr11-44236315-A-G. GRCh37 (hg19) VCF-style: chr11-44257865-A-G.
Other names: c.2057A>G, p.Lys686Arg (NM_000401.3); c.1988A>G, p.Lys663Arg (NM_001178083.3); c.1958A>G, p.Lys653Arg (NM_001389628.1, NM_001389630.1); short protein forms K653R, K686R, K663R.
Identifiers: ClinVar variation 3004884 (VCV003004884.3), dbSNP rs372942692, ClinGen allele CA5955413.